The following is an entry in ClinVar:

ClinVar aggregate classification (germline): Uncertain significance (1 of 4 stars; one submission).

Conditions:
Glycogen storage disease due to phosphoglycerate kinase 1 deficiency. Also called: PGK1 DEFICIENCY; PHOSPHOGLYCERATE KINASE 1 DEFICIENCY WITH LEVO-DOPA-RESPONSIVE PARKINSONISM. Identifiers: Orphanet 713, MedGen C1970848, MONDO:0010392, OMIM 300653.

Submission:

Juno Genomics, Hangzhou Juno Genomics, Inc
Classification: Uncertain significance for Glycogen storage disease due to phosphoglycerate kinase 1 deficiency. Review status: criteria provided, single submitter. Criteria: ACMG Guidelines, 2015. Collection method: clinical testing. Allele origin: germline.
Comment: Absent from controls (or at extremely low frequency if recessive) in Genome Aggregation Database.;Multiple lines of computational evidence support a deleterious effect on the gene or gene product.

NM_000291.4(PGK1):c.482A>G (p.Tyr161Cys)

Gene: PGK1 (phosphoglycerate kinase 1; plus strand). Cytogenetic location: Xq21.1.
Variant type: single nucleotide variant.
Coding change: c.482A>G on transcript NM_000291.4 (MANE Select); coding-DNA position 482, A replaced by G.
Protein change: p.Tyr161Cys; replaces tyrosine 161 with cysteine.
Molecular consequence: missense variant.
Genome position (GRCh38, 1-based): chrX:78,117,376, A>G. VCF-style: chrX-78117376-A-G. GRCh37 (hg19) VCF-style: chrX-77372873-A-G.
Other names: short protein forms Y161C.
Identifiers: ClinVar variation 5007608 (VCV005007608.2).